The following is an entry in ClinVar:

NM_000308.4(CTSA):c.33GCT[10] (p.Leu18_Leu19dup)

Gene: CTSA (cathepsin A; plus strand). Cytogenetic location: 20q13.12.
Variant type: Microsatellite.
Coding change: c.33GCT[10] on transcript NM_000308.4 (MANE Select); ten copies in a row of the 3-base unit GCT starting at c.33; the reference has eight copies in a row; two copies, 6 bases duplicated.
Protein change: p.Leu18_Leu19dup.
Molecular consequence: inframe insertion. On other transcripts: non-coding transcript variant (1).
Genome position (GRCh38, 1-based): chr20:45,891,619-45,891,624, GCTGCT duplicated; duplicating any 6 consecutive bases within chr20:45,891,599-45,891,624 gives the same sequence; the position shown is the placement nearest the transcript's 3' end. VCF-style (leftmost placement, unchanged base first): chr20-45891598-C-CCTGCTG. GRCh37 (hg19) VCF-style: chr20-44520237-C-CCTGCTG.
Other names: c.33GCT[10], p.Leu18_Leu19dup (NM_001127695.3, NM_001167594.3).
Identifiers: ClinVar variation 1351603 (VCV001351603.4), dbSNP rs72555383, ClinGen allele CA9882900.

ClinVar aggregate classification (germline): Uncertain significance (1 of 4 stars; one submission).

Conditions:
Combined deficiency of sialidase AND beta galactosidase (GSL). Also called: CATHEPSIN A DEFICIENCY; GOLDBERG SYNDROME; Galactosialidosis; NEURAMINIDASE DEFICIENCY WITH BETA-GALACTOSIDASE DEFICIENCY; NEURAMINIDASE/BETA-GALACTOSIDASE EXPRESSION; PPCA DEFICIENCY. Identifiers: Orphanet 351, MedGen C0268233, MONDO:0009737, OMIM 256540.

Submission:

Labcorp Genetics (formerly Invitae), Labcorp
Classification: Uncertain significance for Combined deficiency of sialidase AND beta galactosidase. Last evaluated: 2022-07-12. Review status: criteria provided, single submitter. Criteria: Invitae Variant Classification Sherloc (09022015). Collection method: clinical testing. Allele origin: germline.
Comment: This variant, c.105_110dup, results in the insertion of 2 amino acid(s) of the CTSA protein (p.Leu36_Leu37dup), but otherwise preserves the integrity of the reading frame. The frequency data for this variant in the population databases is considered unreliable, as metrics indicate poor data quality at this position in the gnomAD database. This variant has not been reported in the literature in individuals affected with CTSA-related conditions. Experimental studies and prediction algorithms are not available or were not evaluated, and the functional significance of this variant is currently unknown. In summary, the available evidence is currently insufficient to determine the role of this variant in disease. Therefore, it has been classified as a Variant of Uncertain Significance.